The following is an entry in ClinVar:

ClinVar aggregate classification (germline): Uncertain significance (1 of 4 stars; one submission).

Submission:

GeneDx
Classification: Uncertain significance. Last evaluated: 2023-10-04. Review status: criteria provided, single submitter. Criteria: GeneDx Variant Classification Process June 2021. Collection method: clinical testing. Allele origin: germline. Affected: yes.
Comment: Not observed at significant frequency in large population cohorts (gnomAD); In silico analysis supports that this missense variant has a deleterious effect on protein structure/function; Has not been previously published as pathogenic or benign to our knowledge

NM_000079.4(CHRNA1):c.1313G>A (p.Cys438Tyr)

Gene: CHRNA1 (cholinergic receptor nicotinic alpha 1 subunit; minus strand). Cytogenetic location: 2q31.1.
Variant type: single nucleotide variant.
Coding change: c.1313G>A on transcript NM_000079.4 (MANE Select); coding-DNA position 1313, G replaced by A.
Protein change: p.Cys438Tyr; replaces cysteine 438 with tyrosine.
Molecular consequence: missense variant.
Genome position (GRCh38, 1-based): chr2:174,748,185, C>T on the plus strand (G>A on the coding strand, the complement: CHRNA1 is on the minus strand). VCF-style: chr2-174748185-C-T. GRCh37 (hg19) VCF-style: chr2-175612913-C-T.
Other names: c.1388G>A, p.Cys463Tyr (NM_001039523.3); short protein forms C438Y, C463Y.
Identifiers: ClinVar variation 3253002 (VCV003253002.1), dbSNP rs2468885812.